The following is an entry in ClinVar:

NM_006648.4(WNK2):c.3193C>T (p.Leu1065Phe)

Gene: WNK2 (WNK lysine deficient protein kinase 2; plus strand). Cytogenetic location: 9q22.31.
Variant type: single nucleotide variant.
Coding change: c.3193C>T on transcript NM_006648.4 (MANE Select); coding-DNA position 3193, C replaced by T.
Protein change: p.Leu1065Phe; replaces leucine 1065 with phenylalanine.
Molecular consequence: missense variant.
Genome position (GRCh38, 1-based): chr9:93,261,940, C>T. VCF-style: chr9-93261940-C-T. GRCh37 (hg19) VCF-style: chr9-96024222-C-T.
Other names: c.3193C>T, p.Leu1065Phe (NM_001282394.3); short protein forms L1065F.
Identifiers: ClinVar variation 3982171 (VCV003982171.1).

ClinVar aggregate classification (germline): Uncertain significance (1 of 4 stars; one submission).

gnomAD v4.1: 6 of 1,610,838 alleles (0.00037%); highest among the groups gnomAD compares: Non-Finnish European, 0.00042%; no homozygotes.

Submission:

Ambry Genetics
Classification: Uncertain significance. Last evaluated: 2025-06-05. Review status: criteria provided, single submitter. Criteria: Ambry Variant Classification Scheme 2023. Collection method: clinical testing. Allele origin: germline.
Comment: The p.L1065F variant (also known as c.3193C>T), located in coding exon 12 of the WNK2 gene, results from a C to T substitution at nucleotide position 3193. The leucine at codon 1065 is replaced by phenylalanine, an amino acid with highly similar properties. This amino acid position is conserved. In addition, this alteration is predicted to be tolerated by in silico analysis. Based on the available evidence, the clinical significance of this variant remains unclear.